The following is an entry in ClinVar:

NM_000157.4(GBA1):c.1601G>A (p.Arg534His)

Genes: GBA1 (glucosylceramidase beta 1; minus strand), LOC106627981 (GBA recombination region; plus strand). Cytogenetic location: 1q22.
Variant type: single nucleotide variant.
Coding change: c.1601G>A on transcript NM_000157.4 (MANE Select); coding-DNA position 1601, G replaced by A.
Protein change: p.Arg534His; replaces arginine 534 with histidine.
Molecular consequence: missense variant.
Genome position (GRCh38, 1-based): chr1:155,235,005, C>T on the plus strand (G>A on the coding strand, the complement: GBA1 is on the minus strand). VCF-style: chr1-155235005-C-T. GRCh37 (hg19) VCF-style: chr1-155204796-C-T.
Other names: c.1601G>A, p.Arg534His (NM_001005741.3, NM_001005742.3); c.1340G>A, p.Arg447His (NM_001171811.2); c.1454G>A, p.Arg485His (NM_001171812.2); short protein forms R447H, R485H, R534H.
Identifiers: ClinVar variation 3341051 (VCV003341051.2).

ClinVar aggregate classification (germline): Uncertain significance. Review status: criteria provided, multiple submitters, no conflicts (2 of 4 stars). 2 submissions from 2 submitters: Uncertain significance (2). Last evaluated 2026-03-17.

Submissions (2):

Women's Health and Genetics/Laboratory Corporation of America, LabCorp
Classification: Uncertain significance. Last evaluated: 2026-03-17. Review status: criteria provided, single submitter. Criteria: LabCorp Variant Classification Summary - May 2015. Collection method: clinical testing. Allele origin: germline.
Comment: Variant summary: GBA1 c.1601G>A (p.Arg534His) results in a non-conservative amino acid change in the encoded protein sequence. Algorithms developed to predict the effect of missense changes on protein structure and function are either unavailable or do not agree on the potential impact of this missense change. The variant allele was found at a frequency of 5.7e-06 in 175110 control chromosomes. The available data on variant occurrences in the general population are insufficient to allow any conclusion about variant significance. c.1601G>A has been observed in an individual affected with Gaucher Disease (Huang_2020). These data do not allow any conclusion about variant significance. To our knowledge, no experimental evidence demonstrating an impact on protein function has been reported. The following publication have been ascertained in the context of this evaluation (PMID: 32165122). ClinVar contains an entry for this variant (Variation ID: 3341051). Based on the evidence outlined above, the variant was classified as uncertain significance.

GeneDx
Classification: Uncertain significance. Last evaluated: 2024-01-31. Review status: criteria provided, single submitter. Criteria: GeneDx Variant Classification Process June 2021. Collection method: clinical testing. Allele origin: germline. Affected: yes.
Comment: In silico analysis supports that this missense variant does not alter protein structure/function; Published functional studies suggest that this variant does not impact receptor binding, uptake and stability of the protein; however, enzyme activity was not measured (PMID: 17251309, 10216074); Also known as p.(R495H); This variant is associated with the following publications: (PMID: 3547401, 2498077, 10216074, 8294487, 32165122, 22961873, 17251309)

Literature cited by the submitters: PubMed 32165122 (cited by Women's Health and Genetics/Laboratory Corporation of America, LabCorp).